The following is an entry in ClinVar:

ClinVar aggregate classification (germline): Likely pathogenic. Review status: criteria provided, single submitter (1 of 4 stars). 2 submissions from 2 submitters: Likely pathogenic (1). 1 of the submissions does not count toward it. Last evaluated 2025-08-21.

Conditions:
Pulmonary arterial hypertension. Identifiers: Orphanet 182090, MedGen C2973725, MeSH D000081029, MONDO:0015924, HP:0002092.
Idiopathic and/or familial pulmonary arterial hypertension. Identifiers: Orphanet 422, MedGen C5679820, MONDO:0008347.
Pulmonary venoocclusive disease 1 (PVOD1). Also called: Pulmonary venoocclusive disease 1, autosomal dominant. Identifiers: Orphanet 31837, MedGen C3887658, MONDO:0020713, OMIM 265450.

Submissions (2):

Genomics, Clalit Research Institute, Clalit Health Care
Classification: Likely pathogenic for Pulmonary venoocclusive disease 1. Last evaluated: 2025-08-21. Review status: criteria provided, single submitter. Criteria: ACMG Guidelines, 2015. Collection method: clinical testing. Allele origin: germline. Affected: yes.
Comment: Frequency: The variant is absent from the gnomAD reference population dataset. Variant type: Null variant in a gene where LOF is a known mechanism of disease. Predicted to undergo NMD. Clinical evidence: This variant has previously been described in ClinVar (VCV1339415) with the following classifications: Other (1).

Wendy Chung Laboratory, Boston Children's Hospital
No classification provided. Condition: Idiopathic and/or familial pulmonary arterial hypertension. Review status: no classification provided. Collection method: literature only. Allele origin: germline. Affected: yes. Not counted in ClinVar's aggregate classification.

Literature cited by the submitters: PubMed 31727138 (cited by Genomics, Clalit Research Institute, Clalit Health Care and Wendy Chung Laboratory, Boston Children's Hospital).

NM_001204.7(BMPR2):c.2073dup (p.Gln692fs)

Gene: BMPR2 (bone morphogenetic protein receptor type 2; plus strand). Cytogenetic location: 2q33.2.
Variant type: Duplication.
Coding change: c.2073dup on transcript NM_001204.7 (MANE Select); coding-DNA position 2073, one base duplicated (A; older notation c.2073dupA).
Protein change: p.Gln692fs; shifts the reading frame from glutamine 692.
Molecular consequence: frameshift variant.
Genome position (GRCh38, 1-based): chr2:202,555,738, A duplicated; the last of 3 consecutive A bases (chr2:202,555,736-202,555,738); duplicating any one gives the same sequence. VCF-style (leftmost placement, unchanged base first): chr2-202555735-T-TA. GRCh37 (hg19) VCF-style: chr2-203420458-T-TA.
Other names: short protein forms Q692fs.
Identifiers: ClinVar variation 1339415 (VCV001339415.4), dbSNP rs2105711699, ClinGen allele CA2573051838.